The following is an entry in ClinVar:

ClinVar aggregate classification (germline): Uncertain significance (1 of 4 stars; one submission).

Conditions:
Alstrom syndrome (ALMS). Identifiers: Orphanet 64, MedGen C0268425, MONDO:0008763, OMIM 203800.

Submission:

Labcorp Genetics (formerly Invitae), Labcorp
Classification: Uncertain significance for Alstrom syndrome. Last evaluated: 2022-02-09. Review status: criteria provided, single submitter. Criteria: Invitae Variant Classification Sherloc (09022015). Collection method: clinical testing. Allele origin: germline.
Comment: In summary, the available evidence is currently insufficient to determine the role of this variant in disease. Therefore, it has been classified as a Variant of Uncertain Significance. Experimental studies and prediction algorithms are not available or were not evaluated, and the functional significance of this variant is currently unknown. This variant has not been reported in the literature in individuals affected with ALMS1-related conditions. This variant is not present in population databases (gnomAD no frequency). This sequence change replaces leucine, which is neutral and non-polar, with serine, which is neutral and polar, at codon 2634 of the ALMS1 protein (p.Leu2634Ser).

NM_001378454.1(ALMS1):c.7898T>C (p.Leu2633Ser)

Gene: ALMS1 (ALMS1 centrosome and basal body associated protein; plus strand). Cytogenetic location: 2p13.1.
Variant type: single nucleotide variant.
Coding change: c.7898T>C on transcript NM_001378454.1 (MANE Select); coding-DNA position 7898, T replaced by C.
Protein change: p.Leu2633Ser; replaces leucine 2633 with serine.
Molecular consequence: missense variant.
Genome position (GRCh38, 1-based): chr2:73,489,857, T>C. VCF-style: chr2-73489857-T-C. GRCh37 (hg19) VCF-style: chr2-73716984-T-C.
Other names: c.7901T>C, p.Leu2634Ser (NM_015120.4); short protein forms L2633S, L2634S.
Identifiers: ClinVar variation 1376271 (VCV001376271.6), dbSNP rs2103889971, ClinGen allele CA347266227.
Genomic context (GRCh38, chr2:73,489,857, plus strand): 5'-CCAGAGGACGGCAGAACCCATCATCATGCAGAGCCAAGCATGTCAACCTTTCTGCATCCT[T>C]AGACCAGAACAACTCCCATTTCAAAGTTTGGAATTCCTTGCAGTTAAAAAGTCATTCCCC-3'
Protein context (NP_001365383.1, residues 2623-2643): RAKHVNLSAS[Leu2633Ser]DQNNSHFKVW